The following is an entry in ClinVar:

ClinVar aggregate classification (germline): Uncertain significance (1 of 4 stars; one submission).

Submission:

ISCA site 14
Classification: Uncertain significance. Last evaluated: 2011-08-12. Review status: criteria provided, single submitter. Criteria: Kaminsky et al. (Genet Med. 2011). Collection method: clinical testing. Allele origin: paternal. Affected: yes. Observed: 1 variant allele.
Comment: Copy number variation identified through the course of routine clinical cytogenomic testing in postnatal populations. Clinical assertions have been curated as described in Kaminsky et al. 2011.

GRCh38/hg38 13q21.32(chr13:66552004-67123174)x1

Genes: PCDH9 (protocadherin 9; minus strand), PCDH9-AS2 (PCDH9 antisense RNA 2; plus strand), PCDH9-AS3 (PCDH9 antisense RNA 3; plus strand), PCDH9-AS4 (PCDH9 antisense RNA 4; plus strand), LOC124900161 (Sharpr-MPRA regulatory region 12707; plus strand) and 1 more. Cytogenetic location: 13q21.32.
Variant type: copy number loss.
Change: copy number 1 (one copy instead of two) of chr13:66,552,004-67,123,174 (571.2 kb, GRCh38 coordinates, 1-based), cytogenetic band 13q21.32.
Identifiers: ClinVar variation 58146 (VCV000058146.1).